The following is an entry in ClinVar:

NM_007194.4(CHEK2):c.364del (p.Glu122fs)

Gene: CHEK2 (checkpoint kinase 2; minus strand). Cytogenetic location: 22q12.1.
Variant type: Deletion.
Coding change: c.364del on transcript NM_007194.4 (MANE Select); coding-DNA position 364, one base deleted (G; older notation c.364delG).
Protein change: p.Glu122fs; shifts the reading frame from glutamic acid 122.
Molecular consequence: frameshift variant.
Genome position (GRCh38, 1-based): chr22:28,725,323, C deleted on the plus strand (G on the coding strand, the reverse complement: CHEK2 is on the minus strand). VCF-style (leftmost placement, unchanged base first): chr22-28725322-TC-T. GRCh37 (hg19) VCF-style: chr22-29121310-TC-T.
Other names: c.493delG, p.Glu165Asnfs (NM_001005735.3); c.-414delG (NM_001257387.3); c.364delG, p.Glu122Asnfs (NM_001349956.3, NM_145862.3); short protein forms E165fs, E122fs.
Identifiers: ClinVar variation 186960 (VCV000186960.11), dbSNP rs786203355, ClinGen allele CA196346.

ClinVar aggregate classification (germline): Pathogenic. Review status: criteria provided, multiple submitters, no conflicts (2 of 4 stars). 3 submissions from 3 submitters: Pathogenic (3). Last evaluated 2026-05-07.

Conditions:
Hereditary cancer-predisposing syndrome. Also called: Tumor predisposition; Hereditary Cancer Syndrome; Hereditary neoplastic syndrome; Neoplastic Syndromes, Hereditary. Identifiers: Orphanet 140162, MedGen C0027672, MeSH D009386, MONDO:0015356.
Familial cancer of breast. Also called: Hereditary breast cancer; hereditary breast carcinoma; BREAST CANCER, FAMILIAL. Identifiers: Orphanet 227535, MedGen C0346153, MONDO:0016419, OMIM 114480. Disease mechanism: loss of function.

Submissions (3):

Ambry Genetics
Classification: Pathogenic for Hereditary cancer-predisposing syndrome. Last evaluated: 2026-05-07. Review status: criteria provided, single submitter. Criteria: Ambry Variant Classification Scheme 2023. Collection method: clinical testing. Allele origin: germline.
Comment: The c.364delG pathogenic mutation, located in coding exon 2 of the CHEK2 gene, results from a deletion of one nucleotide at nucleotide position 364, causing a translational frameshift with a predicted alternate stop codon (p.E122Nfs*9). This variant is considered to be rare based on population cohorts in the Genome Aggregation Database (gnomAD). This variant is expected to result in loss of function by premature protein truncation or nonsense-mediated mRNA decay. As such, this variant is interpreted as a disease-causing mutation.

Myriad Genetics, Inc.
Classification: Pathogenic for Familial cancer of breast. Last evaluated: 2023-06-23. Review status: criteria provided, single submitter. Criteria: Myriad Autosomal Dominant, Autosomal Recessive and X-Linked Classification Criteria (2023). Collection method: clinical testing. Allele origin: unknown.
Comment: This variant is considered pathogenic. This variant creates a frameshift predicted to result in premature protein truncation.

Labcorp Genetics (formerly Invitae), Labcorp
Classification: Pathogenic for Familial cancer of breast. Last evaluated: 2022-10-27. Review status: criteria provided, single submitter. Criteria: Invitae Variant Classification Sherloc (09022015). Collection method: clinical testing. Allele origin: germline.
Comment: For these reasons, this variant has been classified as Pathogenic. ClinVar contains an entry for this variant (Variation ID: 186960). This variant has not been reported in the literature in individuals affected with CHEK2-related conditions. This variant is not present in population databases (gnomAD no frequency). This sequence change creates a premature translational stop signal (p.Glu122Asnfs*9) in the CHEK2 gene. It is expected to result in an absent or disrupted protein product. Loss-of-function variants in CHEK2 are known to be pathogenic (PMID: 21876083, 24713400).

Literature cited by the submitters: PubMed 21876083 (cited by Labcorp Genetics (formerly Invitae), Labcorp); PubMed 24713400 (cited by Labcorp Genetics (formerly Invitae), Labcorp).